The following is an entry in ClinVar:

ClinVar aggregate classification (germline): Uncertain significance. Review status: criteria provided, multiple submitters, no conflicts (2 of 4 stars). 3 submissions from 3 submitters: Uncertain significance (3). Last evaluated 2025-12-09.

Conditions:
BAP1-related tumor predisposition syndrome (TPDS1). Also called: COMMON Syndrome; BAP1 tumor predisposition syndrome; TUMOR PREDISPOSITION SYNDROME 1; Tumor susceptibility linked to germline BAP1 mutations. Identifiers: Orphanet 289539, MedGen C3280492, MONDO:0013692, OMIM 614327.
Hereditary cancer-predisposing syndrome. Also called: Tumor predisposition; Neoplastic Syndromes, Hereditary; Hereditary Cancer Syndrome; Hereditary neoplastic syndrome. Identifiers: Orphanet 140162, MedGen C0027672, MeSH D009386, MONDO:0015356.

Submissions (3):

Ambry Genetics
Classification: Uncertain significance for Hereditary cancer-predisposing syndrome. Last evaluated: 2025-12-09. Review status: criteria provided, single submitter. Criteria: Ambry Variant Classification Scheme 2023. Collection method: clinical testing. Allele origin: germline.
Comment: The p.R213C variant (also known as c.637C>T), located in coding exon 8 of the BAP1 gene, results from a C to T substitution at nucleotide position 637. The arginine at codon 213 is replaced by cysteine, an amino acid with highly dissimilar properties. This amino acid position is conserved. In addition, this alteration is predicted to be deleterious by in silico analysis. Based on the available evidence, the clinical significance of this variant remains unclear.

Labcorp Genetics (formerly Invitae), Labcorp
Classification: Uncertain significance for BAP1-related tumor predisposition syndrome. Last evaluated: 2025-03-21. Review status: criteria provided, single submitter. Criteria: Invitae Variant Classification Sherloc (09022015). Collection method: clinical testing. Allele origin: germline.
Comment: This sequence change replaces arginine, which is basic and polar, with cysteine, which is neutral and slightly polar, at codon 213 of the BAP1 protein (p.Arg213Cys). This variant is not present in population databases (gnomAD no frequency). This variant has not been reported in the literature in individuals affected with BAP1-related conditions. ClinVar contains an entry for this variant (Variation ID: 1707024). Invitae Evidence Modeling of protein sequence and biophysical properties (such as structural, functional, and spatial information, amino acid conservation, physicochemical variation, residue mobility, and thermodynamic stability) indicates that this missense variant is expected to disrupt BAP1 protein function with a positive predictive value of 80%. In summary, the available evidence is currently insufficient to determine the role of this variant in disease. Therefore, it has been classified as a Variant of Uncertain Significance.

GeneDx
Classification: Uncertain significance. Last evaluated: 2023-01-03. Review status: criteria provided, single submitter. Criteria: GeneDx Variant Classification Process June 2021. Collection method: clinical testing. Allele origin: germline. Affected: yes.
Comment: Not observed at significant frequency in large population cohorts (gnomAD); In silico analysis supports that this missense variant has a deleterious effect on protein structure/function; Has not been previously published as pathogenic or benign to our knowledge

NM_004656.4(BAP1):c.637C>T (p.Arg213Cys)

Gene: BAP1 (BRCA1 associated deubiquitinase 1; minus strand). Cytogenetic location: 3p21.1.
Variant type: single nucleotide variant.
Coding change: c.637C>T on transcript NM_004656.4 (MANE Select); coding-DNA position 637, C replaced by T.
Protein change: p.Arg213Cys; replaces arginine 213 with cysteine.
Molecular consequence: missense variant.
Genome position (GRCh38, 1-based): chr3:52,406,851, G>A on the plus strand (C>T on the coding strand, the complement: BAP1 is on the minus strand). VCF-style: chr3-52406851-G-A. GRCh37 (hg19) VCF-style: chr3-52440867-G-A.
Other names: c.637C>T, p.Arg213Cys (NM_001410772.1); short protein forms R213C.
Identifiers: ClinVar variation 1707024 (VCV001707024.10), dbSNP rs1402050408, ClinGen allele CA353108864.